The following is an entry in ClinVar:

ClinVar aggregate classification (germline): Uncertain significance (1 of 4 stars; one submission).

Conditions:
Isovaleryl-CoA dehydrogenase deficiency (IVA). Also called: Isovaleric acidemia; Classic Isovaleric Acidemia; ISOVALERIC ACID CoA DEHYDROGENASE DEFICIENCY; IVD DEFICIENCY. Identifiers: Orphanet 33, MedGen C0268575, MONDO:0009475, OMIM 243500.

Submission:

Labcorp Genetics (formerly Invitae), Labcorp
Classification: Uncertain significance for Isovaleryl-CoA dehydrogenase deficiency. Last evaluated: 2024-03-26. Review status: criteria provided, single submitter. Criteria: Invitae Variant Classification Sherloc (09022015). Collection method: clinical testing. Allele origin: germline.
Comment: This sequence change replaces cysteine, which is neutral and slightly polar, with glycine, which is neutral and non-polar, at codon 261 of the IVD protein (p.Cys261Gly). This variant is not present in population databases (gnomAD no frequency). This missense change has been observed in individual(s) with clinical features of isovaleric acidemia (Invitae). In at least one individual the data is consistent with being in trans (on the opposite chromosome) from a pathogenic variant. ClinVar contains an entry for this variant (Variation ID: 1468477). An algorithm developed to predict the effect of missense changes on protein structure and function (PolyPhen-2) suggests that this variant is likely to be disruptive. In summary, the available evidence is currently insufficient to determine the role of this variant in disease. Therefore, it has been classified as a Variant of Uncertain Significance.

NM_002225.5(IVD):c.772T>G (p.Cys258Gly)

Gene: IVD (isovaleryl-CoA dehydrogenase; plus strand). Cytogenetic location: 15q15.1.
Variant type: single nucleotide variant.
Coding change: c.772T>G on transcript NM_002225.5 (MANE Select); coding-DNA position 772, T replaced by G.
Protein change: p.Cys258Gly; replaces cysteine 258 with glycine.
Molecular consequence: missense variant. On other transcripts: non-coding transcript variant (1).
Genome position (GRCh38, 1-based): chr15:40,413,075, T>G. VCF-style: chr15-40413075-T-G. GRCh37 (hg19) VCF-style: chr15-40705274-T-G.
Other names: c.682T>G, p.Cys228Gly (NM_001159508.3); c.724T>G, p.Cys242Gly (NM_001354597.3); c.772T>G, p.Cys258Gly (NM_001354598.3, NM_001354601.3); c.859T>G, p.Cys287Gly (NM_001354599.3, NM_001354600.3); short protein forms C287G, C228G, C242G, C258G.
Identifiers: ClinVar variation 1468477 (VCV001468477.5), dbSNP rs2141340538, ClinGen allele CA391719135.